The following is an entry in ClinVar:

ClinVar aggregate classification (germline): Uncertain significance (1 of 4 stars; one submission).

Submission:

Labcorp Genetics (formerly Invitae), Labcorp
Classification: Uncertain significance. Last evaluated: 2021-05-11. Review status: criteria provided, single submitter. Criteria: Invitae Variant Classification Sherloc (09022015). Collection method: clinical testing. Allele origin: germline.
Comment: This sequence change replaces alanine with serine at codon 505 of the MSH3 protein (p.Ala505Ser). The alanine residue is moderately conserved and there is a moderate physicochemical difference between alanine and serine. This variant is not present in population databases (ExAC no frequency). This variant has not been reported in the literature in individuals with MSH3-related conditions. Algorithms developed to predict the effect of missense changes on protein structure and function (SIFT, PolyPhen-2, Align-GVGD) all suggest that this variant is likely to be tolerated, but these predictions have not been confirmed by published functional studies and their clinical significance is uncertain. In summary, the available evidence is currently insufficient to determine the role of this variant in disease. Therefore, it has been classified as a Variant of Uncertain Significance.

NM_002439.5(MSH3):c.1513G>T (p.Ala505Ser)

Gene: MSH3 (mutS homolog 3; plus strand). Cytogenetic location: 5q14.1.
Variant type: single nucleotide variant.
Coding change: c.1513G>T on transcript NM_002439.5 (MANE Select); coding-DNA position 1513, G replaced by T.
Protein change: p.Ala505Ser; replaces alanine 505 with serine.
Molecular consequence: missense variant.
Genome position (GRCh38, 1-based): chr5:80,728,910, G>T. VCF-style: chr5-80728910-G-T. GRCh37 (hg19) VCF-style: chr5-80024729-G-T.
Other names: short protein forms A505S.
Identifiers: ClinVar variation 1495348 (VCV001495348.8), dbSNP rs2112857885, ClinGen allele CA360274266.